The following is an entry in ClinVar:

ClinVar aggregate classification (germline): Uncertain significance (1 of 4 stars; one submission).

Conditions:
ATP2B2-related disorder. Also called: ATP2B2-related condition.

Submission:

PreventionGenetics, part of Exact Sciences
Classification: Uncertain significance for ATP2B2-related condition. Last evaluated: 2026-07-07. Review status: criteria provided, single submitter. Criteria: ACMG Guidelines, 2015. Collection method: clinical testing. Allele origin: germline.
Comment: The ATP2B2 c.1536G>T variant is predicted to result in the amino acid substitution p.Lys512Asn. To our knowledge, this variant has not been reported in the literature or in a large population database (gnomAD), indicating this variant is rare. At this time, the clinical significance of this variant is uncertain due to the absence of conclusive functional and genetic evidence.

NM_001001331.4(ATP2B2):c.1671G>T (p.Lys557Asn)

Gene: ATP2B2 (ATPase plasma membrane Ca2+ transporting 2; minus strand). Cytogenetic location: 3p25.3.
Variant type: single nucleotide variant.
Coding change: c.1671G>T on transcript NM_001001331.4 (MANE Select); coding-DNA position 1671, G replaced by T.
Protein change: p.Lys557Asn; replaces lysine 557 with asparagine.
Molecular consequence: missense variant.
Genome position (GRCh38, 1-based): chr3:10,360,112, C>A on the plus strand (G>T on the coding strand, the complement: ATP2B2 is on the minus strand). VCF-style: chr3-10360112-C-A. GRCh37 (hg19) VCF-style: chr3-10401796-C-A.
Other names: c.1536G>T, p.Lys512Asn (NM_001330611.3, NM_001353564.1, NM_001363862.1 and 2 more transcripts); c.1578G>T, p.Lys526Asn (NM_001438646.1); short protein forms K526N, K512N, K557N.
Identifiers: ClinVar variation 4993303 (VCV004993303.1).